The following is an entry in ClinVar:

NM_022047.4(DEF6):c.1784C>G (p.Thr595Ser)

Gene: DEF6 (DEF6 guanine nucleotide exchange factor; plus strand). Cytogenetic location: 6p21.31.
Variant type: single nucleotide variant.
Coding change: c.1784C>G on transcript NM_022047.4 (MANE Select); coding-DNA position 1784, C replaced by G.
Protein change: p.Thr595Ser; replaces threonine 595 with serine.
Molecular consequence: missense variant.
Genome position (GRCh38, 1-based): chr6:35,321,298, C>G. VCF-style: chr6-35321298-C-G. GRCh37 (hg19) VCF-style: chr6-35289075-C-G.
Other names: c.1784C>G (NM_022047.3); short protein forms T595S.
Identifiers: ClinVar variation 1368905 (VCV001368905.8), dbSNP rs373112176, ClinGen allele CA3771015.

ClinVar aggregate classification (germline): Uncertain significance. Review status: criteria provided, multiple submitters, no conflicts (2 of 4 stars). 2 submissions from 2 submitters: Uncertain significance (2). Last evaluated 2025-12-01.

Allele frequency attached by ClinVar (database versions not stated): ExAC 0.00003.
gnomAD v4.1: 32 of 1,613,980 alleles (0.002%); highest among the groups gnomAD compares: East Asian, 0.02%; no homozygotes.

Submissions (2):

Labcorp Genetics (formerly Invitae), Labcorp
Classification: Uncertain significance. Last evaluated: 2025-12-01. Review status: criteria provided, single submitter. Criteria: Invitae Variant Classification Sherloc (09022015). Collection method: clinical testing. Allele origin: germline.
Comment: This sequence change replaces threonine, which is neutral and polar, with serine, which is neutral and polar, at codon 595 of the DEF6 protein (p.Thr595Ser). This variant is present in population databases (rs373112176, gnomAD 0.04%). This variant has not been reported in the literature in individuals affected with DEF6-related conditions. ClinVar contains an entry for this variant (Variation ID: 1368905). An algorithm developed to predict the effect of missense changes on protein structure and function outputs the following: PolyPhen-2: "Benign". The serine amino acid residue is found in multiple mammalian species, which suggests that this missense change does not adversely affect protein function. In summary, the available evidence is currently insufficient to determine the role of this variant in disease. Therefore, it has been classified as a Variant of Uncertain Significance.

Ambry Genetics
Classification: Uncertain significance. Last evaluated: 2025-09-24. Review status: criteria provided, single submitter. Criteria: Ambry Variant Classification Scheme 2023. Collection method: clinical testing. Allele origin: germline.